The following is an entry in ClinVar:

ClinVar aggregate classification (germline): Conflicting classifications of pathogenicity. Review status: criteria provided, conflicting classifications (1 of 4 stars). 6 submissions from 6 submitters: Pathogenic (1); Likely pathogenic (3); Uncertain significance (2). Last evaluated 2026-09-04.

Conditions:
Autosomal recessive nonsyndromic hearing loss 22. Identifiers: Orphanet 90636, MedGen C1846896, MONDO:0011762, OMIM 607039.
OTOA-related disorder. Also called: OTOA-related condition.

Allele frequency attached by ClinVar (database versions not stated): 1000 Genomes Project 30x 0.00016; 1000 Genomes Project 0.00020; ExAC 0.00005.
gnomAD v4.1: 32 of 1,614,068 alleles (0.002%); highest among the groups gnomAD compares: East Asian, 0.04%; no homozygotes.

Submissions (6):

PreventionGenetics, part of Exact Sciences
Classification: Likely pathogenic for OTOA-related condition. Last evaluated: 2026-09-04. Review status: criteria provided, single submitter. Criteria: ACMG Guidelines, 2015. Collection method: clinical testing. Allele origin: germline.
Comment: The OTOA c.1265G>T variant is predicted to result in the amino acid substitution p.Gly422Val. This variant was reported along with a second OTOA variant in at least four individuals with hearing loss and was compound heterozygous to a whole gene deletion or likely pathogenic splicing variant in two of these individuals (Wang et al. 2021. PubMed ID: 33597575; Table S3, Guan et al. 2021. PubMed ID: 34416374; Table S5, Rim et al. 2021. PubMed ID: 34519870; Yang et al. 2023. PubMed ID: 37114731). This variant is reported in 0.065% of alleles in individuals of East Asian descent in gnomAD. This variant has conflicting interpretations in ClinVar ranging from uncertain to pathogenic (Variation ID: 1462794). This variant is interpreted as likely pathogenic.

Labcorp Genetics (formerly Invitae), Labcorp
Classification: Pathogenic. Last evaluated: 2025-09-08. Review status: criteria provided, single submitter. Criteria: Invitae Variant Classification Sherloc (09022015). Collection method: clinical testing. Allele origin: germline.
Comment: This sequence change replaces glycine, which is neutral and non-polar, with valine, which is neutral and non-polar, at codon 422 of the OTOA protein (p.Gly422Val). This variant is present in population databases (rs200689333, gnomAD 0.06%). This missense change has been observed in individual(s) with deafness (PMID: 33597575, 34416374, 34519870, 37114731). In at least one individual the data is consistent with being in trans (on the opposite chromosome) from a pathogenic variant. ClinVar contains an entry for this variant (Variation ID: 1462794). An algorithm developed to predict the effect of missense changes on protein structure and function (PolyPhen-2) suggests that this variant is likely to be disruptive. For these reasons, this variant has been classified as Pathogenic.

Fulgent Genetics
Classification: Likely pathogenic for Autosomal recessive nonsyndromic hearing loss 22. Last evaluated: 2024-05-06. Review status: criteria provided, single submitter. Criteria: ACMG Guidelines, 2015. Collection method: clinical testing. Allele origin: germline.

Women's Health and Genetics/Laboratory Corporation of America, LabCorp
Classification: Likely pathogenic for Autosomal recessive nonsyndromic hearing loss 22. Last evaluated: 2024-05-01. Review status: criteria provided, single submitter. Criteria: LabCorp Variant Classification Summary - May 2015. Collection method: clinical testing. Allele origin: germline.
Comment: Variant summary: OTOA c.1265G>T (p.Gly422Val) results in a non-conservative amino acid change in the encoded protein sequence. Five of five in-silico tools predict a damaging effect of the variant on protein function. The variant allele was found at a frequency of 5.2e-05 in 251084 control chromosomes (gnomAD v2.1). c.1265G>T has been reported in the literature in multiple compound heterozygous individuals affected with Autosomal Recessive Nonsyndromic Hearing Loss 22 (e.g. Guan_2021, Wang_2021, Rim_2022, Yang_2023). These data indicate that the variant is likely to be associated with disease. To our knowledge, no experimental evidence demonstrating an impact on protein function has been reported. The following publications have been ascertained in the context of this evaluation (PMID: 34416374, 33597575, 34519870, 37114731). ClinVar contains an entry for this variant (Variation ID: 1462794). Based on the evidence outlined above, the variant was classified as likely pathogenic.

Genetic Testing Center for Deafness, Department of Otolaryngology Head & Neck Surgery, Institute of Otolaryngology, Chinese PLA General Hospital
Classification: Uncertain significance for Autosomal recessive nonsyndromic hearing loss 22. Last evaluated: 2022-12-13. Review status: criteria provided, single submitter. Criteria: ClinGen HL ACMG Specifications v1. Collection method: clinical testing. Allele origin: paternal. Affected: yes. Observed: 1 variant allele.

Juno Genomics, Hangzhou Juno Genomics, Inc
Classification: Uncertain significance for Autosomal recessive nonsyndromic hearing loss 22. Review status: criteria provided, single submitter. Criteria: ACMG Guidelines, 2015. Collection method: clinical testing. Allele origin: germline.
Comment: Absent from controls (or at extremely low frequency if recessive) in Genome Aggregation Database.

Literature cited by the submitters: PubMed 33597575 (cited by Labcorp Genetics (formerly Invitae), Labcorp and Women's Health and Genetics/Laboratory Corporation of America, LabCorp); PubMed 34416374 (cited by Labcorp Genetics (formerly Invitae), Labcorp and Women's Health and Genetics/Laboratory Corporation of America, LabCorp); PubMed 34519870 (cited by Labcorp Genetics (formerly Invitae), Labcorp and Women's Health and Genetics/Laboratory Corporation of America, LabCorp); PubMed 37114731 (cited by Labcorp Genetics (formerly Invitae), Labcorp and Women's Health and Genetics/Laboratory Corporation of America, LabCorp).

NM_144672.4(OTOA):c.1265G>T (p.Gly422Val)

Gene: OTOA (otoancorin). Cytogenetic location: 16p12.2.
Variant type: single nucleotide variant.
Coding change: c.1265G>T on transcript NM_144672.4 (MANE Select); coding-DNA position 1265, G replaced by T.
Protein change: p.Gly422Val; replaces glycine 422 with valine.
Molecular consequence: missense variant.
Genome position (GRCh38, 1-based): chr16:21,710,048, G>T. VCF-style: chr16-21710048-G-T. GRCh37 (hg19) VCF-style: chr16-21721369-G-T.
Other names: c.1265G>T (NM_144672.3); c.1028G>T, p.Gly343Val (NM_001161683.2); c.293G>T, p.Gly98Val (NM_170664.3); short protein forms G422V, G98V, G343V.
Identifiers: ClinVar variation 1462794 (VCV001462794.13), dbSNP rs200689333, ClinGen allele CA7952578.
Genomic context (GRCh38, chr16:21,710,048, plus strand): 5'-TGGAATCCCTCTCCCCCGAGGCTGTGCACGGAGCCATCTCCACCCTCAACCAGGTCTCAG[G>T]TTGGGCCAAGAGCCAGGTCATCATCTTGTCTGCCAAATACTTGGCCCATGAGAAGGTCAG-3'
Protein context (NP_653273.3, residues 412-432): GAISTLNQVS[Gly422Val]WAKSQVIILS